The following is an entry in ClinVar:

NM_000171.4(GLRA1):c.958C>A (p.Leu320Ile)

Gene: GLRA1 (glycine receptor alpha 1; minus strand). Cytogenetic location: 5q33.1.
Variant type: single nucleotide variant.
Coding change: c.958C>A on transcript NM_000171.4 (MANE Select); coding-DNA position 958, C replaced by A.
Protein change: p.Leu320Ile; replaces leucine 320 with isoleucine.
Molecular consequence: missense variant.
Genome position (GRCh38, 1-based): chr5:151,829,022, G>T on the plus strand (C>A on the coding strand, the complement: GLRA1 is on the minus strand). VCF-style: chr5-151829022-G-T. GRCh37 (hg19) VCF-style: chr5-151208583-G-T.
Other names: c.958C>A, p.Leu320Ile (NM_001146040.2); c.709C>A, p.Leu237Ile (NM_001292000.2); short protein forms L320I, L237I.
Identifiers: ClinVar variation 1398341 (VCV001398341.5), dbSNP rs1235266841, ClinGen allele CA361851727.

ClinVar aggregate classification (germline): Uncertain significance (1 of 4 stars; one submission).

Conditions:
Hereditary hyperekplexia. Identifiers: Orphanet 3197, MedGen C4084968, MONDO:0021022.

Allele frequency attached by ClinVar (database versions not stated): gnomAD exomes below 0.00001; TOPMed below 0.00001; gnomAD 0.00001.
gnomAD v4.1: 2 of 1,613,980 alleles (0.00012%); highest among the groups gnomAD compares: Admixed American, 0.0017%; no homozygotes.

Submission:

Labcorp Genetics (formerly Invitae), Labcorp
Classification: Uncertain significance for Hereditary hyperekplexia. Last evaluated: 2022-10-19. Review status: criteria provided, single submitter. Criteria: Invitae Variant Classification Sherloc (09022015). Collection method: clinical testing. Allele origin: germline.
Comment: This sequence change replaces leucine, which is neutral and non-polar, with isoleucine, which is neutral and non-polar, at codon 320 of the GLRA1 protein (p.Leu320Ile). The frequency data for this variant in the population databases is considered unreliable, as metrics indicate poor data quality at this position in the gnomAD database. This variant has not been reported in the literature in individuals affected with GLRA1-related conditions. ClinVar contains an entry for this variant (Variation ID: 1398341). Advanced modeling of protein sequence and biophysical properties (such as structural, functional, and spatial information, amino acid conservation, physicochemical variation, residue mobility, and thermodynamic stability) performed at Invitae indicates that this missense variant is not expected to disrupt GLRA1 protein function. In summary, the available evidence is currently insufficient to determine the role of this variant in disease. Therefore, it has been classified as a Variant of Uncertain Significance.